The following is an entry in ClinVar:

NM_012418.4(FSCN2):c.1015C>T (p.Arg339Cys)

Gene: FSCN2 (fascin actin-bundling protein 2, retinal; plus strand). Cytogenetic location: 17q25.3.
Variant type: single nucleotide variant.
Coding change: c.1015C>T on transcript NM_012418.4 (MANE Select); coding-DNA position 1015, C replaced by T.
Protein change: p.Arg339Cys; replaces arginine 339 with cysteine.
Molecular consequence: missense variant.
Genome position (GRCh38, 1-based): chr17:81,536,177, C>T. VCF-style: chr17-81536177-C-T. GRCh37 (hg19) VCF-style: chr17-79503203-C-T.
Other names: c.1015C>T, p.Arg339Cys (NM_001077182.3); c.1015C>T (NM_001077182.2); short protein forms R339C.
Identifiers: ClinVar variation 1056475 (VCV001056475.11), dbSNP rs952041104, ClinGen allele CA295084751.

ClinVar aggregate classification (germline): Uncertain significance. Review status: criteria provided, multiple submitters, no conflicts (2 of 4 stars). 2 submissions from 2 submitters: Uncertain significance (2). Last evaluated 2026-01-21.

Allele frequency attached by ClinVar (database versions not stated): gnomAD exomes below 0.00001 and 0.00004; gnomAD 0.00003 and 0.00004; TOPMed 0.00005.
gnomAD v4.1: 67 of 1,604,672 alleles (0.0042%); highest among the groups gnomAD compares: Non-Finnish European, 0.0053%; no homozygotes.

Submissions (2):

Labcorp Genetics (formerly Invitae), Labcorp
Classification: Uncertain significance. Last evaluated: 2026-01-21. Review status: criteria provided, single submitter. Criteria: Invitae Variant Classification Sherloc (09022015). Collection method: clinical testing. Allele origin: germline.
Comment: This sequence change replaces arginine, which is basic and polar, with cysteine, which is neutral and slightly polar, at codon 339 of the FSCN2 protein (p.Arg339Cys). The frequency data for this variant in the population databases is considered unreliable, as metrics indicate poor data quality at this position in the gnomAD database. This variant has not been reported in the literature in individuals affected with FSCN2-related conditions. ClinVar contains an entry for this variant (Variation ID: 1056475). An algorithm developed to predict the effect of missense changes on protein structure and function (PolyPhen-2) suggests that this variant is likely to be tolerated. In summary, the available evidence is currently insufficient to determine the role of this variant in disease. Therefore, it has been classified as a Variant of Uncertain Significance.

Ambry Genetics
Classification: Uncertain significance. Last evaluated: 2025-08-07. Review status: criteria provided, single submitter. Criteria: Ambry Variant Classification Scheme 2023. Collection method: clinical testing. Allele origin: germline.